The following is an entry in ClinVar:

ClinVar aggregate classification (germline): Uncertain significance (1 of 4 stars; one submission).

Conditions:
Inborn genetic diseases. Identifiers: MedGen C0950123, MeSH D030342.

Submission:

Ambry Genetics
Classification: Uncertain significance for Inborn genetic diseases. Last evaluated: 2026-05-14. Review status: criteria provided, single submitter. Criteria: Ambry Variant Classification Scheme 2023. Collection method: clinical testing. Allele origin: germline.
Comment: The p.E947A variant (also known as c.2840A>C), located in coding exon 13 of the ASXL1 gene, results from an A to C substitution at nucleotide position 2840. The glutamic acid at codon 947 is replaced by alanine, an amino acid with dissimilar properties. This amino acid position is conserved. In addition, this alteration is predicted to be tolerated by in silico analysis. Based on the available evidence, the clinical significance of this variant remains unclear.

NM_015338.6(ASXL1):c.2840A>C (p.Glu947Ala)

Gene: ASXL1 (ASXL transcriptional regulator 1; plus strand). Cytogenetic location: 20q11.21.
Variant type: single nucleotide variant.
Coding change: c.2840A>C on transcript NM_015338.6 (MANE Select); coding-DNA position 2840, A replaced by C.
Protein change: p.Glu947Ala; replaces glutamic acid 947 with alanine.
Molecular consequence: missense variant.
Genome position (GRCh38, 1-based): chr20:32,435,552, A>C. VCF-style: chr20-32435552-A-C. GRCh37 (hg19) VCF-style: chr20-31023355-A-C.
Other names: c.2657A>C, p.Glu886Ala (NM_001363734.1); short protein forms E886A, E947A.
Identifiers: ClinVar variation 4864619 (VCV004864619.1).
Genomic context (GRCh38, chr20:32,435,552, plus strand): 5'-GAGAGGAGTGGGAGAAAGCTGCTCCCACCCCTCCTGCATTGCCTGGGGATTTGACAGCTG[A>C]GGAGGGTCTAGATCCTCTTGACAGCCTTACTTCACTCTGGACTGTGCCATCTCGAGGAGG-3'
Protein context (NP_056153.2, residues 937-957): PPALPGDLTA[Glu947Ala]EGLDPLDSLT